The following is an entry in ClinVar:

NM_000455.5(STK11):c.306G>C (p.Leu102=)

Gene: STK11 (serine/threonine kinase 11; plus strand). Cytogenetic location: 19p13.3.
Variant type: single nucleotide variant.
Coding change: c.306G>C on transcript NM_000455.5 (MANE Select); coding-DNA position 306, G replaced by C.
Protein change: p.Leu102=; no amino-acid change (leucine 102 retained).
Molecular consequence: synonymous variant.
Genome position (GRCh38, 1-based): chr19:1,218,432, G>C. VCF-style: chr19-1218432-G-C. GRCh37 (hg19) VCF-style: chr19-1218431-G-C.
Identifiers: ClinVar variation 219936 (VCV000219936.21), dbSNP rs370130178, ClinGen allele CA047027.
Genomic context (GRCh38, chr19:1,218,432, plus strand): 5'-CCTGACGTTGGGTCGGCTGATACACCCCTGTCCTCTCTGTCCCAGGGAAATTCAACTACT[G>C]AGGAGGTTACGGCACAAAAATGTCATCCAGCTGGTGGATGTGTTATACAACGAAGAGAAG-3'
Protein context (NP_000446.1, residues 92-112): EANVKKEIQL[Leu102=]RRLRHKNVIQ

ClinVar aggregate classification (germline): Conflicting classifications of pathogenicity. Review status: criteria provided, conflicting classifications (1 of 4 stars). 7 submissions from 7 submitters: Uncertain significance (1); Benign (1); Likely benign (4). 1 of the submissions does not count toward it. Last evaluated 2025-12-19.

Conditions:
STK11-related disorder. Also called: STK11-related condition.
Hereditary cancer-predisposing syndrome. Also called: Tumor predisposition; Hereditary neoplastic syndrome; Neoplastic Syndromes, Hereditary; Hereditary Cancer Syndrome. Identifiers: Orphanet 140162, MedGen C0027672, MeSH D009386, MONDO:0015356.
Peutz-Jeghers syndrome (PJS). Also called: POLYPOSIS, HAMARTOMATOUS INTESTINAL; POLYPS-AND-SPOTS SYNDROME; Peutz-Jeghers polyposis; Periorificial lentiginosis syndrome. Identifiers: Orphanet 2869, MedGen C0031269, MeSH D010580, MONDO:0008280, OMIM 175200.

Allele frequency attached by ClinVar (database versions not stated): gnomAD exomes below 0.00001; ExAC 0.00001; TOPMed 0.00001; gnomAD 0.00003; ESP Exome Variant Server 0.00008.

Submissions (7):

Women's Health and Genetics/Laboratory Corporation of America, LabCorp
Classification: Likely benign. Last evaluated: 2025-12-19. Review status: criteria provided, single submitter. Criteria: LabCorp Variant Classification Summary - May 2015. Collection method: clinical testing. Allele origin: germline.

Labcorp Genetics (formerly Invitae), Labcorp
Classification: Likely benign for Peutz-Jeghers syndrome. Last evaluated: 2025-09-25. Review status: criteria provided, single submitter. Criteria: Invitae Variant Classification Sherloc (09022015). Collection method: clinical testing. Allele origin: germline.

Myriad Genetics, Inc.
Classification: Benign for Peutz-Jeghers syndrome. Last evaluated: 2025-03-25. Review status: criteria provided, single submitter. Criteria: Myriad Autosomal Dominant, Autosomal Recessive and X-Linked Classification Criteria (2023). Collection method: clinical testing. Allele origin: unknown.
Comment: This variant is considered benign. This variant is a silent/synonymous amino acid change and it is not expected to impact splicing.

All of Us Research Program, National Institutes of Health
Classification: Likely benign for Peutz-Jeghers syndrome. Last evaluated: 2023-10-06. Review status: criteria provided, single submitter. Criteria: ACMG Guidelines, 2015. Collection method: clinical testing. Allele origin: germline. Inheritance: Autosomal dominant inheritance. Observed: 3 variant alleles, 3 heterozygotes.
Comment: This study involves interpretation of variants in research participants for the purpose of population health screening. Participant phenotype was not available at the time of variant classification. Additional details can be found in publication PMID: 35346344, PMCID: PMC8962531

Quest Diagnostics Nichols Institute San Juan Capistrano
Classification: Uncertain significance. Last evaluated: 2022-09-22. Review status: criteria provided, single submitter. Criteria: Quest Diagnostics criteria. Collection method: clinical testing. Allele origin: unknown.
Comment: To the best of our knowledge, the variant has not been reported in the published literature. The frequency of this variant in the general population, 0.000004 (1/249148 chromosomes), is uninformative in assessment of its pathogenicity. Analysis of this variant using software algorithms for the prediction of the effect of nucleotide changes on splicing yielded predictions that this variant does not affect STK11 mRNA splicing . Based on the available information, we are unable to determine the clinical significance of this variant.

Ambry Genetics
Classification: Likely benign for Hereditary cancer-predisposing syndrome. Last evaluated: 2015-04-28. Review status: criteria provided, single submitter. Criteria: Ambry Variant Classification Scheme 2023. Collection method: clinical testing. Allele origin: germline.

PreventionGenetics, part of Exact Sciences
Classification: Likely benign for STK11-related condition. Last evaluated: 2020-08-21. Review status: no assertion criteria provided. Collection method: clinical testing. Allele origin: germline. Not counted in ClinVar's aggregate classification.
Comment: This variant is classified as likely benign based on ACMG/AMP sequence variant interpretation guidelines (Richards et al. 2015 PMID: 25741868, with internal and published modifications).